The following is an entry in ClinVar:

NM_006158.5(NEFL):c.1576G>C (p.Glu526Gln)

Gene: NEFL (neurofilament light chain; minus strand). Cytogenetic location: 8p21.2.
Variant type: single nucleotide variant.
Coding change: c.1576G>C on transcript NM_006158.5 (MANE Select); coding-DNA position 1576, G replaced by C.
Protein change: p.Glu526Gln; replaces glutamic acid 526 with glutamine.
Molecular consequence: missense variant.
Genome position (GRCh38, 1-based): chr8:24,952,866, C>G on the plus strand (G>C on the coding strand, the complement: NEFL is on the minus strand). VCF-style: chr8-24952866-C-G. GRCh37 (hg19) VCF-style: chr8-24810379-C-G.
Other names: short protein forms E526Q.
Identifiers: ClinVar variation 1775603 (VCV001775603.2), dbSNP rs546077415, ClinGen allele CA4681227.

ClinVar aggregate classification (germline): Uncertain significance (1 of 4 stars; one submission).

Conditions:
Inborn genetic diseases. Identifiers: MedGen C0950123, MeSH D030342.

gnomAD v4.1: 4 of 1,610,466 alleles (0.00025%); highest among the groups gnomAD compares: Non-Finnish European, 0.00034%; no homozygotes.

Submission:

Ambry Genetics
Classification: Uncertain significance for Inborn genetic diseases. Last evaluated: 2020-09-14. Review status: criteria provided, single submitter. Criteria: Ambry Variant Classification Scheme 2023. Collection method: clinical testing. Allele origin: germline.
Comment: The p.E526Q variant (also known as c.1576G>C), located in coding exon 4 of the NEFL gene, results from a G to C substitution at nucleotide position 1576. The glutamic acid at codon 526 is replaced by glutamine, an amino acid with highly similar properties. This amino acid position is not well conserved in available vertebrate species. In addition, the in silico prediction for this alteration is inconclusive. Since supporting evidence is limited at this time, the clinical significance of this alteration remains unclear.